The following is an entry in ClinVar:

ClinVar aggregate classification (germline): Uncertain significance (1 of 4 stars; one submission).

Submission:

Labcorp Genetics (formerly Invitae), Labcorp
Classification: Uncertain significance. Last evaluated: 2025-10-14. Review status: criteria provided, single submitter. Criteria: Invitae Variant Classification Sherloc (09022015). Collection method: clinical testing. Allele origin: germline.
Comment: This sequence change replaces glycine, which is neutral and non-polar, with valine, which is neutral and non-polar, at codon 60 of the ZNF408 protein (p.Gly60Val). This variant is not present in population databases (gnomAD no frequency). This variant has not been reported in the literature in individuals affected with ZNF408-related conditions. An algorithm developed to predict the effect of missense changes on protein structure and function (PolyPhen-2) suggests that this variant is likely to be disruptive. In summary, the available evidence is currently insufficient to determine the role of this variant in disease. Therefore, it has been classified as a Variant of Uncertain Significance.

NM_024741.3(ZNF408):c.179G>T (p.Gly60Val)

Gene: ZNF408 (zinc finger protein 408; plus strand). Cytogenetic location: 11p11.2.
Variant type: single nucleotide variant.
Coding change: c.179G>T on transcript NM_024741.3 (MANE Select); coding-DNA position 179, G replaced by T.
Protein change: p.Gly60Val; replaces glycine 60 with valine.
Molecular consequence: missense variant.
Genome position (GRCh38, 1-based): chr11:46,701,525, G>T. VCF-style: chr11-46701525-G-T. GRCh37 (hg19) VCF-style: chr11-46723075-G-T.
Other names: c.155G>T, p.Gly52Val (NM_001184751.2); short protein forms G60V, G52V.
Identifiers: ClinVar variation 4695309 (VCV004695309.1).
Genomic context (GRCh38, chr11:46,701,525, plus strand): 5'-TCAAAGACGTCCCACCCGAGCCGACCCGAGACATCCTCGCTTTAAAGAGCCTTCCCCGGG[G>T]CTTGGCCCTTGGCCCCTCACTCGCCAAGGAACAGCGCTTGGGGGTCTGGTGTGTCGGGGA-3'
Protein context (NP_079017.1, residues 50-70): DILALKSLPR[Gly60Val]LALGPSLAKE